The following is an entry in ClinVar:

NM_001395002.1(MAP4K4):c.2220G>C (p.Arg740Ser)

Gene: MAP4K4 (mitogen-activated protein kinase kinase kinase kinase 4; plus strand). Cytogenetic location: 2q11.2.
Variant type: single nucleotide variant.
Coding change: c.2220G>C on transcript NM_001395002.1 (MANE Select); coding-DNA position 2220, G replaced by C.
Protein change: p.Arg740Ser; replaces arginine 740 with serine.
Molecular consequence: missense variant. On other transcripts: non-coding transcript variant (4).
Genome position (GRCh38, 1-based): chr2:101,866,443, G>C. VCF-style: chr2-101866443-G-C. GRCh37 (hg19) VCF-style: chr2-102482905-G-C.
Other names: c.1986G>C, p.Arg662Ser (NM_001242559.2, NM_001384488.1); c.1965G>C, p.Arg655Ser (NM_001242560.2, NM_001384487.1); c.2055G>C, p.Arg685Ser (NM_001384476.1); c.2052G>C, p.Arg684Ser (NM_001384477.1, NM_001384508.1); c.1734G>C, p.Arg578Ser (NM_001384478.1, NM_001384482.1, NM_001384495.1); c.1989G>C, p.Arg663Ser (NM_001384481.1, NM_001384486.1, NM_001384507.1); c.1824G>C, p.Arg608Ser (NM_001384483.1, NM_001384494.1); c.2058G>C, p.Arg686Ser (NM_001384484.1, NM_001384485.1, NM_001384493.1); and 19 more; short protein forms R568S, R569S, R623S, R632S, R654S, R663S, R674S, R675S.
Identifiers: ClinVar variation 4055780 (VCV004055780.1).

ClinVar aggregate classification (germline): Uncertain significance (1 of 4 stars; one submission).

gnomAD v4.1: 1 of 1,612,914 alleles (0.000062%); highest among the groups gnomAD compares: South Asian, 0.0011%; no homozygotes.

Submission:

GeneDx
Classification: Uncertain significance. Last evaluated: 2025-01-02. Review status: criteria provided, single submitter. Criteria: GeneDx Variant Classification Process June 2021. Collection method: clinical testing. Allele origin: germline. Affected: yes.
Comment: In silico analysis supports that this missense variant has a deleterious effect on protein structure/function; Has not been previously published as pathogenic or benign to our knowledge